The following is an entry in ClinVar:

ClinVar aggregate classification (germline): Benign. Review status: criteria provided, single submitter (1 of 4 stars). 2 submissions from 2 submitters: Benign (1). 1 of the submissions does not count toward it. Last evaluated 2021-05-05.

Conditions:
ITPR3-related disorder. Also called: ITPR3-related condition.

Allele frequency attached by ClinVar (database versions not stated): 1000 Genomes Project 0.01777; 1000 Genomes Project 30x 0.01811; TOPMed 0.03183; gnomAD 0.03602 and 0.03676; ExAC 0.03758; ESP Exome Variant Server 0.03760; gnomAD exomes 0.03864 and 0.04740.
gnomAD v4.1: 74,830 of 1,614,126 alleles (4.6%); highest among the groups gnomAD compares: Non-Finnish European, 5.2%; 2,026 homozygotes.

Submissions (2):

GeneDx
Classification: Benign. Last evaluated: 2021-05-05. Review status: criteria provided, single submitter. Criteria: GeneDx Variant Classification Process June 2021. Collection method: clinical testing. Allele origin: germline. Affected: yes.

PreventionGenetics, part of Exact Sciences
Classification: Benign for ITPR3-related condition. Last evaluated: 2020-03-11. Review status: no assertion criteria provided. Collection method: clinical testing. Allele origin: germline. Not counted in ClinVar's aggregate classification.
Comment: This variant is classified as benign based on ACMG/AMP sequence variant interpretation guidelines (Richards et al. 2015 PMID: 25741868, with internal and published modifications).

NM_002224.4(ITPR3):c.7119C>T (p.Ala2373=)

Gene: ITPR3 (inositol 1,4,5-trisphosphate receptor type 3; plus strand). Cytogenetic location: 6p21.31.
Variant type: single nucleotide variant.
Coding change: c.7119C>T on transcript NM_002224.4 (MANE Select); coding-DNA position 7119, C replaced by T.
Protein change: p.Ala2373=; no amino-acid change (alanine 2373 retained).
Molecular consequence: synonymous variant.
Genome position (GRCh38, 1-based): chr6:33,691,003, C>T. VCF-style: chr6-33691003-C-T. GRCh37 (hg19) VCF-style: chr6-33658780-C-T.
Identifiers: ClinVar variation 1295874 (VCV001295874.4), dbSNP rs35506178, ClinGen allele CA3762102.
Genomic context (GRCh38, chr6:33,691,003, plus strand): 5'-GACGCTGTTCAACGTCATCAAGAGTGTGACCCGCAATGGCCGCTCCATCCTGCTGACAGC[C>T]CTGCTGGCCCTCATCCTGGTCTACCTCTTCTCCATCGTCGGCTTCCTCTTCCTCAAGGAT-3'
Protein context (NP_002215.2, residues 2363-2383): TRNGRSILLT[Ala2373=]LLALILVYLF